The following is an entry in ClinVar:

ClinVar aggregate classification (germline): Likely benign (1 of 4 stars; one submission).

gnomAD v4.1: 36 of 1,614,086 alleles (0.0022%); highest among the groups gnomAD compares: Non-Finnish European, 0.0029%; no homozygotes.

Submission:

CeGaT Center for Human Genetics Tuebingen
Classification: Likely benign. Last evaluated: 2025-06-01. Review status: criteria provided, single submitter. Criteria: CeGaT Center For Human Genetics Tuebingen Variant Classification Criteria Version 2. Collection method: clinical testing. Allele origin: germline. Affected: yes. Observed: 1 variant allele.
Comment: ODF2: BP4, BP7

NM_001351578.2(ODF2):c.2460G>A (p.Glu820=)

Gene: ODF2 (outer dense fiber of sperm tails 2; plus strand). Cytogenetic location: 9q34.11.
Variant type: single nucleotide variant.
Coding change: c.2460G>A on transcript NM_001351578.2 (MANE Select); coding-DNA position 2460, G replaced by A.
Protein change: p.Glu820=; no amino-acid change (glutamic acid 820 retained).
Molecular consequence: synonymous variant.
Genome position (GRCh38, 1-based): chr9:128,499,036, G>A. VCF-style: chr9-128499036-G-A. GRCh37 (hg19) VCF-style: chr9-131261315-G-A.
Other names: c.2196G>A, p.Glu732= (NM_001242352.2, NM_001351584.2, NM_001351585.2); c.2211G>A, p.Glu737= (NM_001242353.2, NM_153433.2); c.2616G>A, p.Glu872= (NM_001351577.1); c.2352G>A, p.Glu784= (NM_001351579.2, NM_001351580.2); c.2343G>A, p.Glu781= (NM_001351581.1); c.2328G>A, p.Glu776= (NM_001351582.2); c.2295G>A, p.Glu765= (NM_001351583.2); c.2139G>A, p.Glu713= (NM_001351586.2, NM_002540.5); and 3 more.
Identifiers: ClinVar variation 3905130 (VCV003905130.10).
Genomic context (GRCh38, chr9:128,499,036, plus strand): 5'-CATGTCTGGGCCTTTGAATGTGCAGGTGGAACAAACCAAGGAGCACGCACTCTCCAAGGA[G>A]CGAGCAGCCCAGAACAAAATCCTGGACCTTGAGACCCAGCTGAGCAGAACCAAAACGGAA-3'
Protein context (NP_001338507.1, residues 810-830): EQTKEHALSK[Glu820=]RAAQNKILDL